The following is an entry in ClinVar:

NM_138694.4(PKHD1):c.9038_9039delinsAA (p.Ser3013Ter)

Gene: PKHD1 (PKHD1 ciliary IPT domain containing fibrocystin/polyductin; minus strand). Cytogenetic location: 6p12.3.
Variant type: Indel.
Coding change: c.9038_9039delinsAA on transcript NM_138694.4 (MANE Select); coding-DNA positions 9038 to 9039, CC replaced by AA.
Protein change: p.Ser3013Ter; replaces serine 3013 with a stop codon.
Molecular consequence: nonsense.
Genome position (GRCh38, 1-based): chr6:51,748,577-51,748,578, GG replaced by TT on the plus strand (CC replaced by AA on the coding strand, the reverse complement: PKHD1 is on the minus strand). VCF-style: chr6-51748577-GG-TT. GRCh37 (hg19) VCF-style: chr6-51613375-GG-TT.
Other names: c.9038_9039delinsAA, p.Ser3013Ter (NM_170724.3); short protein forms S3013*.
Identifiers: ClinVar variation 2865042 (VCV002865042.3), dbSNP rs2533832057, ClinGen allele CA2739273071.

ClinVar aggregate classification (germline): Pathogenic (1 of 4 stars; one submission).

Conditions:
Autosomal recessive polycystic kidney disease (ARPKD). Also called: AR polycystic kidney disease. Identifiers: Orphanet 731, Orphanet 8378, MedGen C0085548, MeSH D017044, MONDO:0009889.

Submission:

Labcorp Genetics (formerly Invitae), Labcorp
Classification: Pathogenic for Autosomal recessive polycystic kidney disease. Last evaluated: 2023-05-16. Review status: criteria provided, single submitter. Criteria: Invitae Variant Classification Sherloc (09022015). Collection method: clinical testing. Allele origin: germline.
Comment: For these reasons, this variant has been classified as Pathogenic. This variant has not been reported in the literature in individuals affected with PKHD1-related conditions. Information on the frequency of this variant in the gnomAD database is not available, as this variant may be reported differently in the database. This sequence change creates a premature translational stop signal (p.Ser3013*) in the PKHD1 gene. It is expected to result in an absent or disrupted protein product. Loss-of-function variants in PKHD1 are known to be pathogenic (PMID: 19940839).

Literature cited by the submitters: PubMed 19940839.